The following is an entry in ClinVar:

ClinVar aggregate classification (germline): Uncertain significance (1 of 4 stars; one submission).

gnomAD v4.1: 6 of 1,611,716 alleles (0.00037%); highest among the groups gnomAD compares: Non-Finnish European, 0.00051%; no homozygotes.

Submission:

Women's Health and Genetics/Laboratory Corporation of America, LabCorp
Classification: Uncertain significance. Last evaluated: 2024-06-20. Review status: criteria provided, single submitter. Criteria: LabCorp Variant Classification Summary - May 2015. Collection method: clinical testing. Allele origin: germline.
Comment: Variant summary: ERMARD c.1973T>C (p.Phe658Ser) results in a non-conservative amino acid change in the encoded protein sequence. Three of five in-silico tools predict a damaging effect of the variant on protein function. The variant allele was found at a frequency of 8e-06 in 248602 control chromosomes. The available data on variant occurrences in the general population are insufficient to allow any conclusion about variant significance. To our knowledge, no occurrence of c.1973T>C in individuals affected with Periventricular Nodular Heterotopia 6 and no experimental evidence demonstrating its impact on protein function have been reported. No submitters have cited clinical-significance assessments for this variant to ClinVar. Based on the evidence outlined above, the variant was classified as uncertain significance.

NM_018341.3(ERMARD):c.1973T>C (p.Phe658Ser)

Gene: ERMARD (ER membrane associated RNA degradation; plus strand). Cytogenetic location: 6q27.
Variant type: single nucleotide variant.
Coding change: c.1973T>C on transcript NM_018341.3 (MANE Select); coding-DNA position 1973, T replaced by C.
Protein change: p.Phe658Ser; replaces phenylalanine 658 with serine.
Molecular consequence: missense variant.
Genome position (GRCh38, 1-based): chr6:169,781,449, T>C. VCF-style: chr6-169781449-T-C. GRCh37 (hg19) VCF-style: chr6-170181545-T-C.
Other names: c.1832T>C, p.Phe611Ser (NM_001278531.2); c.1595T>C, p.Phe532Ser (NM_001278532.2); c.1754T>C, p.Phe585Ser (NM_001278533.2); c.1565T>C, p.Phe522Ser (NM_001410957.1); short protein forms F522S, F532S, F585S, F611S, F658S.
Identifiers: ClinVar variation 3339927 (VCV003339927.1).